The following is an entry in ClinVar:

NM_003718.5(CDK13):c.4281T>G (p.Phe1427Leu)

Gene: CDK13 (cyclin dependent kinase 13; plus strand). Cytogenetic location: 7p14.1.
Variant type: single nucleotide variant.
Coding change: c.4281T>G on transcript NM_003718.5 (MANE Select); coding-DNA position 4281, T replaced by G.
Protein change: p.Phe1427Leu; replaces phenylalanine 1427 with leucine.
Molecular consequence: missense variant.
Genome position (GRCh38, 1-based): chr7:40,094,722, T>G. VCF-style: chr7-40094722-T-G. GRCh37 (hg19) VCF-style: chr7-40134321-T-G.
Other names: c.4101T>G, p.Phe1367Leu (NM_031267.4); short protein forms F1367L, F1427L.
Identifiers: ClinVar variation 3359755 (VCV003359755.1).

ClinVar aggregate classification (germline): Uncertain significance (1 of 4 stars; one submission).

gnomAD v4.1: 1 of 1,614,190 alleles (0.000062%); highest among the groups gnomAD compares: African/African-American, 0.0013%; no homozygotes.

Submission:

GeneDx
Classification: Uncertain significance. Last evaluated: 2023-06-15. Review status: criteria provided, single submitter. Criteria: GeneDx Variant Classification Process June 2021. Collection method: clinical testing. Allele origin: germline. Affected: yes.
Comment: Not observed at significant frequency in large population cohorts (gnomAD); In silico analysis supports that this missense variant has a deleterious effect on protein structure/function; Has not been previously published as pathogenic or benign to our knowledge